The following is an entry in ClinVar:

NM_000091.5(COL4A3):c.2516G>A (p.Gly839Glu)

Genes: COL4A3 (collagen type IV alpha 3 chain; plus strand), MFF-DT (MFF divergent transcript; minus strand). Cytogenetic location: 2q36.3.
Variant type: single nucleotide variant.
Coding change: c.2516G>A on transcript NM_000091.5 (MANE Select); coding-DNA position 2516, G replaced by A.
Protein change: p.Gly839Glu; replaces glycine 839 with glutamic acid.
Molecular consequence: missense variant.
Genome position (GRCh38, 1-based): chr2:227,282,392, G>A. VCF-style: chr2-227282392-G-A. GRCh37 (hg19) VCF-style: chr2-228147108-G-A.
Other names: short protein forms G839E.
Identifiers: ClinVar variation 4817225 (VCV004817225.1), dbSNP rs267599233.

ClinVar aggregate classification (germline): Likely pathogenic (1 of 4 stars; one submission).

Conditions:
Alport syndrome. Also called: Hemorrhagic familial nephritis; Hemorrhagic hereditary nephritis; Congenital hereditary hematuria. Identifiers: Orphanet 63, MedGen C1567741, MONDO:0018965.

Submission:

Natera, Inc.
Classification: Likely pathogenic for Alport syndrome. Last evaluated: 2025-08-26. Review status: criteria provided, single submitter. Criteria: Natera Variant Classification Schema (03/2026). Collection method: clinical testing. Allele origin: germline.
Comment: The c.2516G>A variant in COL4A3 is a missense variant predicted to cause substitution of glycine to glutamic acid at amino acid 839. This variant is rare in the general population with a frequency below the threshold expected for the associated phenotype(s). This variant is located in a functionally critical region of the protein. Computational prediction algorithms indicate this variant is likely to affect gene or protein function. Given the available evidence, this variant is classified as Likely Pathogenic.